The following is an entry in ClinVar:

NM_002485.5(NBN):c.962dup (p.Asn321fs)

Gene: NBN (nibrin; minus strand). Cytogenetic location: 8q21.3.
Variant type: Duplication.
Coding change: c.962dup on transcript NM_002485.5 (MANE Select); coding-DNA position 962, one base duplicated (A; older notation c.962dupA).
Protein change: p.Asn321fs; shifts the reading frame from asparagine 321.
Molecular consequence: frameshift variant.
Genome position (GRCh38, 1-based): chr8:89,964,442, T duplicated on the plus strand (A on the coding strand, the reverse complement: NBN is on the minus strand); the first of 2 consecutive T bases (chr8:89,964,442-89,964,443); duplicating either gives the same sequence. VCF-style (leftmost placement, unchanged base first): chr8-89964441-A-AT. GRCh37 (hg19) VCF-style: chr8-90976669-A-AT.
Other names: c.716dup, p.Asn239fs (NM_001024688.3); short protein forms N239fs, N321fs.
Identifiers: ClinVar variation 1723979 (VCV001723979.2), dbSNP rs1586075907, ClinGen allele CA2580078999.
Genomic context (GRCh38, chr8:89,964,441, plus strand): 5'-ACGAATCAATAAAATAATGCTTCAATTACCTGTACTGGGATGGCCCTGAGGATCACAGTA[A>AT]TTCTTTGTAGTCATGAAAATCACCGCCAATCCAATTTCTGCTTCAGGAATAGGTCTAAGA-3'

ClinVar aggregate classification (germline): Likely pathogenic (1 of 4 stars; one submission).

Conditions:
Microcephaly, normal intelligence and immunodeficiency (NBS). Also called: Ataxia telangiectasia variant V1; IMMUNODEFICIENCY, MICROCEPHALY, AND CHROMOSOMAL INSTABILITY; SEEMANOVA SYNDROME II; Immunodeficiency, microcephaly with normal intelligence; Nijmegen breakage syndrome; Microcephaly with normal intelligence immunodeficiency and lymphoreticular malignancies. Identifiers: Orphanet 647, MedGen C0398791, MONDO:0009623, OMIM 251260.

Submission:

Myriad Genetics, Inc.
Classification: Likely pathogenic for Microcephaly, normal intelligence and immunodeficiency. Last evaluated: 2022-01-20. Review status: criteria provided, single submitter. Criteria: Myriad Women's Health Autosomal Recessive and X-Linked Classification Criteria (2021). Collection method: clinical testing. Allele origin: unknown.
Comment: NM_002485.4(NBN):c.962dupA(N321Kfs*4) is expected to be pathogenic in the context of Nijmegen breakage syndrome. This variant is predicted to lead to an abnormal or absent protein product due to the creation of a premature termination codon in NBN, a gene where loss-of-function variants are known to be pathogenic. Please note: this variant was assessed in the context of healthy population screening.